The following is an entry in ClinVar:

NM_032043.3(BRIP1):c.2631A>G (p.Ala877=)

Gene: BRIP1 (BRCA1 interacting DNA helicase 1; minus strand). Cytogenetic location: 17q23.2.
Variant type: single nucleotide variant.
Coding change: c.2631A>G on transcript NM_032043.3 (MANE Select); coding-DNA position 2631, A replaced by G.
Protein change: p.Ala877=; no amino-acid change (alanine 877 retained).
Molecular consequence: synonymous variant.
Genome position (GRCh38, 1-based): chr17:61,686,110, T>C on the plus strand (A>G on the coding strand, the complement: BRIP1 is on the minus strand). VCF-style: chr17-61686110-T-C. GRCh37 (hg19) VCF-style: chr17-59763471-T-C.
Identifiers: ClinVar variation 184209 (VCV000184209.20), dbSNP rs786201336, ClinGen allele CA188203.
Genomic context (GRCh38, chr17:61,686,110, plus strand): 5'-CTTTATGGATACATTAAGAACTTTTTGATGCTTTTTGGAAAATTCAGCCAAGGATTCCAG[T>C]GCACTTTCAAAGGTTGAATGGTGCTGAATCTGCTGCCGTACCCATTTAGAAAGTCCTAAA-3'
Protein context (NP_114432.2, residues 867-887): QIQHHSTFES[Ala877=]LESLAEFSKK

ClinVar aggregate classification (germline): Benign/Likely benign. Review status: criteria provided, multiple submitters, no conflicts (2 of 4 stars). 4 submissions from 4 submitters: Benign (1); Likely benign (3). Last evaluated 2026-01-18.

Conditions:
Hereditary cancer-predisposing syndrome. Also called: Tumor predisposition; Hereditary Cancer Syndrome; Hereditary neoplastic syndrome; Neoplastic Syndromes, Hereditary. Identifiers: Orphanet 140162, MedGen C0027672, MeSH D009386, MONDO:0015356.
Familial cancer of breast. Also called: BREAST CANCER, FAMILIAL; hereditary breast carcinoma; Hereditary breast cancer. Identifiers: Orphanet 227535, MedGen C0346153, MONDO:0016419, OMIM 114480. Disease mechanism: loss of function.
Fanconi anemia complementation group J. Also called: BRIP1-Related Fanconi Anemia. Identifiers: Orphanet 84, MedGen C1836860, MONDO:0012187, OMIM 609054.

Allele frequency attached by ClinVar (database versions not stated): gnomAD exomes below 0.00001.
gnomAD v4.1: 3 of 1,614,098 alleles (0.00019%); highest among the groups gnomAD compares: Non-Finnish European, 0.00017%; no homozygotes.

Submissions (4):

Labcorp Genetics (formerly Invitae), Labcorp
Classification: Likely benign for Familial cancer of breast; Fanconi anemia complementation group J. Last evaluated: 2026-01-18. Review status: criteria provided, single submitter. Criteria: Invitae Variant Classification Sherloc (09022015). Collection method: clinical testing. Allele origin: germline.

Myriad Genetics, Inc.
Classification: Benign for Familial cancer of breast. Last evaluated: 2024-09-05. Review status: criteria provided, single submitter. Criteria: Myriad Autosomal Dominant, Autosomal Recessive and X-Linked Classification Criteria (2023). Collection method: clinical testing. Allele origin: unknown.
Comment: This variant is considered benign. This variant is a silent/synonymous amino acid change and it is not expected to impact splicing.

Ambry Genetics
Classification: Likely benign for Hereditary cancer-predisposing syndrome. Last evaluated: 2020-02-13. Review status: criteria provided, single submitter. Criteria: Ambry Variant Classification Scheme 2023. Collection method: clinical testing. Allele origin: germline.

Color Diagnostics, LLC DBA Color Health
Classification: Likely benign for Hereditary cancer-predisposing syndrome. Last evaluated: 2019-07-29. Review status: criteria provided, single submitter. Criteria: ACMG Guidelines, 2015. Collection method: clinical testing. Allele origin: germline.